The following is an entry in ClinVar:

NM_016599.5(MYOZ2):c.181C>T (p.Arg61Cys)

Gene: MYOZ2 (myozenin 2; plus strand). Cytogenetic location: 4q26.
Variant type: single nucleotide variant.
Coding change: c.181C>T on transcript NM_016599.5 (MANE Select); coding-DNA position 181, C replaced by T.
Protein change: p.Arg61Cys; replaces arginine 61 with cysteine.
Molecular consequence: missense variant.
Genome position (GRCh38, 1-based): chr4:119,150,976, C>T. VCF-style: chr4-119150976-C-T. GRCh37 (hg19) VCF-style: chr4-120072131-C-T.
Other names: p.R61C:CGT>TGT; short protein forms R61C.
Identifiers: ClinVar variation 213656 (VCV000213656.11), dbSNP rs755233280, ClinGen allele CA321978.

ClinVar aggregate classification (germline): Uncertain significance. Review status: criteria provided, multiple submitters, no conflicts (2 of 4 stars). 5 submissions from 5 submitters: Uncertain significance (5). Last evaluated 2025-10-21.

Conditions:
Hypertrophic cardiomyopathy. Also called: HYPERTROPHIC MYOCARDIOPATHY. Identifiers: Orphanet 217569, MedGen C0007194, MeSH D002312, MONDO:0005045, HP:0001639.
Cardiovascular phenotype. Identifiers: MedGen CN230736.
Hypertrophic cardiomyopathy 16. Identifiers: MedGen C3151204, MONDO:0013455, OMIM 613838.

Allele frequency attached by ClinVar (database versions not stated): gnomAD 0.00001; TOPMed 0.00004.
gnomAD v4.1: 34 of 1,612,896 alleles (0.0021%); highest among the groups gnomAD compares: Non-Finnish European, 0.0028%; no homozygotes.

Submissions (5):

Labcorp Genetics (formerly Invitae), Labcorp
Classification: Uncertain significance for Hypertrophic cardiomyopathy. Last evaluated: 2025-10-21. Review status: criteria provided, single submitter. Criteria: Invitae Variant Classification Sherloc (09022015). Collection method: clinical testing. Allele origin: germline.
Comment: This sequence change replaces arginine, which is basic and polar, with cysteine, which is neutral and slightly polar, at codon 61 of the MYOZ2 protein (p.Arg61Cys). This variant is present in population databases (rs755233280, gnomAD 0.003%). This variant has not been reported in the literature in individuals affected with MYOZ2-related conditions. ClinVar contains an entry for this variant (Variation ID: 213656). Invitae Evidence Modeling of protein sequence and biophysical properties (such as structural, functional, and spatial information, amino acid conservation, physicochemical variation, residue mobility, and thermodynamic stability) indicates that this missense variant is expected to disrupt MYOZ2 protein function with a positive predictive value of 80%. In summary, the available evidence is currently insufficient to determine the role of this variant in disease. Therefore, it has been classified as a Variant of Uncertain Significance.

Ambry Genetics
Classification: Uncertain significance for Cardiovascular phenotype. Last evaluated: 2024-09-17. Review status: criteria provided, single submitter. Criteria: Ambry Variant Classification Scheme 2023. Collection method: clinical testing. Allele origin: germline.
Comment: The p.R61C variant (also known as c.181C>T), located in coding exon 2 of the MYOZ2 gene, results from a C to T substitution at nucleotide position 181. The arginine at codon 61 is replaced by cysteine, an amino acid with highly dissimilar properties. This amino acid position is conserved. In addition, this alteration is predicted to be deleterious by in silico analysis. Since supporting evidence is limited at this time, the clinical significance of this alteration remains unclear.

Fulgent Genetics
Classification: Uncertain significance for Hypertrophic cardiomyopathy 16. Last evaluated: 2021-09-24. Review status: criteria provided, single submitter. Criteria: ACMG Guidelines, 2015. Collection method: clinical testing. Allele origin: unknown.

AiLife Diagnostics
Classification: Uncertain significance. Last evaluated: 2021-07-12. Review status: criteria provided, single submitter. Criteria: ACMG Guidelines, 2015. Collection method: clinical testing. Allele origin: germline. Affected: yes. Observed: 1 variant allele.

GeneDx
Classification: Uncertain significance. Last evaluated: 2018-05-22. Review status: criteria provided, single submitter. Criteria: GeneDx Variant Classification (06012015). Collection method: clinical testing. Allele origin: germline. Affected: yes.
Comment: A variant of uncertain significance has been identified in the MYOZ2 gene. The R61C variant has not been publishedas a pathogenic variant, nor has it been reported as a benign variant to our knowledge. This variant was not observedin approximately 6,500 individuals of European and African American ancestry in the NHLBI Exome SequencingProject, indicating it is not a common benign variant in these populations. The R61C variant is a non-conservativeamino acid substitution, which is likely to impact secondary protein structure as these residues differ in polarity,charge, size and/or other properties. This substitution occurs at a position that is conserved across species and insilico analysis predicts this variant is probably damaging to the protein structure/function.